The following is an entry in ClinVar:

ClinVar aggregate classification (germline): Likely pathogenic (1 of 4 stars; one submission).

Conditions:
BCOR-related disorder. Also called: BCOR-related disorders; BCOR-related condition.

Submission:

PreventionGenetics, part of Exact Sciences
Classification: Likely pathogenic for BCOR-related condition. Last evaluated: 2026-02-11. Review status: criteria provided, single submitter. Criteria: ACMG Guidelines, 2015. Collection method: clinical testing. Allele origin: germline.
Comment: The BCOR c.4691G>A variant is predicted to result in premature protein termination (p.Trp1564*). To our knowledge, this variant has not been reported in the literature. This variant is absent in a large population database (gnomAD), indicating this variant is rare. Nonsense variants in BCOR are an established mechanism of disease. This variant is interpreted as likely pathogenic.

NM_001123385.2(BCOR):c.4793G>A (p.Trp1598Ter)

Gene: BCOR (BCL6 corepressor; minus strand). Cytogenetic location: Xp11.4.
Variant type: single nucleotide variant.
Coding change: c.4793G>A on transcript NM_001123385.2 (MANE Select); coding-DNA position 4793, G replaced by A.
Protein change: p.Trp1598Ter; replaces tryptophan 1598 with a stop codon.
Molecular consequence: nonsense.
Genome position (GRCh38, 1-based): chrX:40,054,282, C>T on the plus strand (G>A on the coding strand, the complement: BCOR is on the minus strand). VCF-style: chrX-40054282-C-T. GRCh37 (hg19) VCF-style: chrX-39913535-C-T.
Other names: c.4691G>A, p.Trp1564Ter (NM_001123383.2, NM_001438208.1, NM_017745.6); c.4637G>A, p.Trp1546Ter (NM_001123384.2); c.4793G>A, p.Trp1598Ter (NM_001437510.1, NM_001437511.1); c.4739G>A, p.Trp1580Ter (NM_001438207.1); short protein forms W1580*, W1598*, W1564*, W1546*.
Identifiers: ClinVar variation 4990974 (VCV004990974.1).